The following is an entry in ClinVar:

NM_005109.3(OXSR1):c.360A>G (p.Glu120=)

Gene: OXSR1 (oxidative stress responsive kinase 1; plus strand). Cytogenetic location: 3p22.2.
Variant type: single nucleotide variant.
Coding change: c.360A>G on transcript NM_005109.3 (MANE Select); coding-DNA position 360, A replaced by G.
Protein change: p.Glu120=; no amino-acid change (glutamic acid 120 retained).
Molecular consequence: synonymous variant.
Genome position (GRCh38, 1-based): chr3:38,198,789, A>G. VCF-style: chr3-38198789-A-G. GRCh37 (hg19) VCF-style: chr3-38240280-A-G.
Identifiers: ClinVar variation 2653668 (VCV002653668.24), dbSNP rs35279632, ClinGen allele CA2316368.

ClinVar aggregate classification (germline): Likely benign (1 of 4 stars; one submission).

Allele frequency attached by ClinVar (database versions not stated): 1000 Genomes Project 30x 0.00172; 1000 Genomes Project 0.00200; gnomAD 0.00405; TOPMed 0.00421; ExAC 0.00433; ESP Exome Variant Server 0.00492.
gnomAD v4.1: 7,905 of 1,613,082 alleles (0.49%); highest among the groups gnomAD compares: Middle Eastern, 1.5%; 34 homozygotes.

Submission:

CeGaT Center for Human Genetics Tuebingen
Classification: Likely benign. Last evaluated: 2022-10-01. Review status: criteria provided, single submitter. Criteria: CeGaT Center For Human Genetics Tuebingen Variant Classification Criteria Version 2. Collection method: clinical testing. Allele origin: germline. Affected: yes. Observed: 1 variant allele.
Comment: OXSR1: BP4, BP7